The following is an entry in ClinVar:

ClinVar aggregate classification (germline): Uncertain significance (1 of 4 stars; one submission).

Submission:

Labcorp Genetics (formerly Invitae), Labcorp
Classification: Uncertain significance. Last evaluated: 2025-11-01. Review status: criteria provided, single submitter. Criteria: Invitae Variant Classification Sherloc (09022015). Collection method: clinical testing. Allele origin: germline.
Comment: This sequence change affects a donor splice site in intron 3 of the RBP3 gene. While this variant is not anticipated to result in nonsense mediated decay, it likely alters RNA splicing and results in a disrupted protein product. This variant is not present in population databases (gnomAD no frequency). This variant has not been reported in the literature in individuals affected with RBP3-related conditions. Variants that disrupt the consensus splice site are a relatively common cause of aberrant splicing (PMID: 17576681, 9536098). Algorithms developed to predict the effect of sequence changes on RNA splicing suggest that this variant may disrupt the consensus splice site. This variant disrupts a region of the RBP3 protein in which other variant(s) (p.Arg1163Trp) have been observed in individuals with RBP3-related conditions (internal data). This suggests that this is a clinically significant region of the protein, and that variants that disrupt it are likely to be disease-causing. In summary, the available evidence is currently insufficient to determine the role of this variant in disease. Therefore, it has been classified as a Variant of Uncertain Significance.

Literature cited by the submitters: PubMed 17576681; PubMed 9536098.

NM_002900.3(RBP3):c.3388+1G>A

Gene: RBP3 (retinol binding protein 3; plus strand). Cytogenetic location: 10q11.22.
Variant type: single nucleotide variant.
Coding change: c.3388+1G>A on transcript NM_002900.3 (MANE Select); the canonical splice donor site of the intron after coding-DNA position 3388, G replaced by A.
Molecular consequence: splice donor variant.
Genome position (GRCh38, 1-based): chr10:47,355,519, G>A. VCF-style: chr10-47355519-G-A. GRCh37 (hg19) VCF-style: chr10-48383843-C-T.
Identifiers: ClinVar variation 4772715 (VCV004772715.1).